The following is an entry in ClinVar:

ClinVar aggregate classification (germline): Uncertain significance (1 of 4 stars; one submission).

Allele frequency attached by ClinVar (database versions not stated): ExAC 0.00002; gnomAD exomes below 0.00001; TOPMed below 0.00001.
gnomAD v4.1: 5 of 1,613,974 alleles (0.00031%); highest among the groups gnomAD compares: Non-Finnish European, 0.000085%; no homozygotes.

Submission:

Labcorp Genetics (formerly Invitae), Labcorp
Classification: Uncertain significance. Last evaluated: 2022-10-12. Review status: criteria provided, single submitter. Criteria: Invitae Variant Classification Sherloc (09022015). Collection method: clinical testing. Allele origin: germline.
Comment: This sequence change replaces phenylalanine, which is neutral and non-polar, with serine, which is neutral and polar, at codon 278 of the GNB3 protein (p.Phe278Ser). This variant is present in population databases (rs782572749, gnomAD 0.03%). This variant has not been reported in the literature in individuals affected with GNB3-related conditions. Advanced modeling of protein sequence and biophysical properties (such as structural, functional, and spatial information, amino acid conservation, physicochemical variation, residue mobility, and thermodynamic stability) performed at Invitae indicates that this missense variant is expected to disrupt GNB3 protein function. In summary, the available evidence is currently insufficient to determine the role of this variant in disease. Therefore, it has been classified as a Variant of Uncertain Significance.

NM_002075.4(GNB3):c.833T>C (p.Phe278Ser)

Genes: CDCA3 (cell division cycle associated 3; minus strand), GNB3 (G protein subunit beta 3; plus strand). Cytogenetic location: 12p13.31.
Variant type: single nucleotide variant.
Coding change: c.833T>C on transcript NM_002075.4 (MANE Select); coding-DNA position 833, T replaced by C.
Protein change: p.Phe278Ser; replaces phenylalanine 278 with serine.
Molecular consequence: missense variant. On other transcripts: 3 prime UTR variant (1).
Genome position (GRCh38, 1-based): chr12:6,845,719, T>C. VCF-style: chr12-6845719-T-C. GRCh37 (hg19) VCF-style: chr12-6954883-T-C.
Other names: c.830T>C, p.Phe277Ser (NM_001297571.2); c.*1069A>G (NM_001297603.3); short protein forms F277S, F278S.
Identifiers: ClinVar variation 2121565 (VCV002121565.4), dbSNP rs782572749, ClinGen allele CA6417677.